The following is an entry in ClinVar:

ClinVar aggregate classification (germline): Likely benign. Review status: criteria provided, single submitter (1 of 4 stars). 2 submissions from 2 submitters: Likely benign (1). 1 of the submissions does not count toward it. Last evaluated 2022-11-07.

Conditions:
COL2A1-related disorder. Also called: COL2A1-related condition; COL2A1-related disorders.

Allele frequency attached by ClinVar (database versions not stated): gnomAD exomes below 0.00001.
gnomAD v4.1: 1 of 1,614,132 alleles (0.000062%); highest among the groups gnomAD compares: Non-Finnish European, 0.000085%; no homozygotes.

Submissions (2):

Labcorp Genetics (formerly Invitae), Labcorp
Classification: Likely benign. Last evaluated: 2022-11-07. Review status: criteria provided, single submitter. Criteria: Invitae Variant Classification Sherloc (09022015). Collection method: clinical testing. Allele origin: germline.

PreventionGenetics, part of Exact Sciences
Classification: Likely benign for COL2A1-related condition. Last evaluated: 2019-06-10. Review status: no assertion criteria provided. Collection method: clinical testing. Allele origin: germline. Not counted in ClinVar's aggregate classification.
Comment: This variant is classified as likely benign based on ACMG/AMP sequence variant interpretation guidelines (Richards et al. 2015 PMID: 25741868, with internal and published modifications).

NM_001844.5(COL2A1):c.390A>G (p.Glu130=)

Gene: COL2A1 (collagen type II alpha 1 chain; minus strand). Cytogenetic location: 12q13.11.
Variant type: single nucleotide variant.
Coding change: c.390A>G on transcript NM_001844.5 (MANE Select); coding-DNA position 390, A replaced by G.
Protein change: p.Glu130=; no amino-acid change (glutamic acid 130 retained).
Molecular consequence: synonymous variant.
Genome position (GRCh38, 1-based): chr12:47,997,910, T>C on the plus strand (A>G on the coding strand, the complement: COL2A1 is on the minus strand). VCF-style: chr12-47997910-T-C. GRCh37 (hg19) VCF-style: chr12-48391693-T-C.
Other names: c.390A>G (NM_001844.4); c.183A>G, p.Glu61= (NM_033150.3).
Identifiers: ClinVar variation 3007166 (VCV003007166.4), dbSNP rs2540181485, ClinGen allele CA479445088.